The following is an entry in ClinVar:

ClinVar aggregate classification (germline): Likely benign (1 of 4 stars; one submission).

Allele frequency attached by ClinVar (database versions not stated): TOPMed 0.00002; gnomAD 0.00003; gnomAD exomes 0.00008.
gnomAD v4.1: 24 of 397,694 alleles (0.006%); highest among the groups gnomAD compares: Non-Finnish European, 0.011%; no homozygotes.

Submission:

GeneDx
Classification: Likely benign. Last evaluated: 2017-04-06. Review status: criteria provided, single submitter. Criteria: GeneDx Variant Classification (06012015). Collection method: clinical testing. Allele origin: germline. Affected: yes.
Comment: This variant is considered likely benign or benign based on one or more of the following criteria: it is a conservative change, it occurs at a poorly conserved position in the protein, it is predicted to be benign by multiple in silico algorithms, and/or has population frequency not consistent with disease.

NM_002880.4(RAF1):c.-50G>T

Gene: RAF1 (Raf-1 proto-oncogene, serine/threonine kinase; minus strand). Cytogenetic location: 3p25.2.
Variant type: single nucleotide variant.
Coding change: c.-50G>T on transcript NM_002880.4 (MANE Select); 50 bases upstream of the start codon, G replaced by T.
Molecular consequence: 5 prime UTR variant. On other transcripts: non-coding transcript variant (3).
Genome position (GRCh38, 1-based): chr3:12,663,836, C>A on the plus strand (G>T on the coding strand, the complement: RAF1 is on the minus strand). VCF-style: chr3-12663836-C-A. GRCh37 (hg19) VCF-style: chr3-12705335-C-A.
Other names: c.-50G>T (NM_001354689.3, NM_001354693.3); c.-273G>T (NM_001354691.3); c.-180G>T (NM_001354692.3, NM_001354694.3, NM_001354695.3).
Identifiers: ClinVar variation 508776 (VCV000508776.1), dbSNP rs919436803, ClinGen allele CA69615357.